The following is an entry in ClinVar:

ClinVar aggregate classification (germline): Uncertain significance (1 of 4 stars; one submission).

Allele frequency attached by ClinVar (database versions not stated): gnomAD exomes below 0.00001.
gnomAD v4.1: 6 of 1,557,284 alleles (0.00039%); highest among the groups gnomAD compares: Admixed American, 0.0023%; no homozygotes.

Submission:

Labcorp Genetics (formerly Invitae), Labcorp
Classification: Uncertain significance. Last evaluated: 2024-05-15. Review status: criteria provided, single submitter. Criteria: Invitae Variant Classification Sherloc (09022015). Collection method: clinical testing. Allele origin: germline.
Comment: This sequence change replaces tyrosine, which is neutral and polar, with cysteine, which is neutral and slightly polar, at codon 541 of the DOCK6 protein (p.Tyr541Cys). The frequency data for this variant in the population databases is considered unreliable, as metrics indicate poor data quality at this position in the gnomAD database. This variant has not been reported in the literature in individuals affected with DOCK6-related conditions. ClinVar contains an entry for this variant (Variation ID: 1911489). Advanced modeling of protein sequence and biophysical properties (such as structural, functional, and spatial information, amino acid conservation, physicochemical variation, residue mobility, and thermodynamic stability) performed at Invitae indicates that this missense variant is expected to disrupt DOCK6 protein function with a positive predictive value of 80%. In summary, the available evidence is currently insufficient to determine the role of this variant in disease. Therefore, it has been classified as a Variant of Uncertain Significance.

NM_020812.4(DOCK6):c.1622A>G (p.Tyr541Cys)

Gene: DOCK6 (dedicator of cytokinesis 6; minus strand). Cytogenetic location: 19p13.2.
Variant type: single nucleotide variant.
Coding change: c.1622A>G on transcript NM_020812.4 (MANE Select); coding-DNA position 1622, A replaced by G.
Protein change: p.Tyr541Cys; replaces tyrosine 541 with cysteine.
Molecular consequence: missense variant.
Genome position (GRCh38, 1-based): chr19:11,242,066, T>C on the plus strand (A>G on the coding strand, the complement: DOCK6 is on the minus strand). VCF-style: chr19-11242066-T-C. GRCh37 (hg19) VCF-style: chr19-11352742-T-C.
Other names: c.1622A>G, p.Tyr541Cys (NM_001367830.1); short protein forms Y541C.
Identifiers: ClinVar variation 1911489 (VCV001911489.5), dbSNP rs1463634685, ClinGen allele CA404107244.